The following is an entry in ClinVar:

ClinVar aggregate classification (germline): Uncertain significance (1 of 4 stars; one submission).

Conditions:
Dilated cardiomyopathy 1CC (CMD1CC). Identifiers: Orphanet 154, MedGen C2751084, MONDO:0013147, OMIM 613122.
Hypertrophic cardiomyopathy 20. Identifiers: MedGen C3151267, MONDO:0013477, OMIM 613876.

Allele frequency attached by ClinVar (database versions not stated): gnomAD exomes below 0.00001.
gnomAD v4.1: 1 of 1,612,324 alleles (0.000062%); highest among the groups gnomAD compares: Non-Finnish European, 0.000085%; no homozygotes.

Submission:

Labcorp Genetics (formerly Invitae), Labcorp
Classification: Uncertain significance for Dilated cardiomyopathy 1CC; Hypertrophic cardiomyopathy 20. Last evaluated: 2021-12-02. Review status: criteria provided, single submitter. Criteria: Invitae Variant Classification Sherloc (09022015). Collection method: clinical testing. Allele origin: germline.
Comment: In summary, the available evidence is currently insufficient to determine the role of this variant in disease. Therefore, it has been classified as a Variant of Uncertain Significance. Algorithms developed to predict the effect of sequence changes on RNA splicing suggest that this variant may create or strengthen a splice site. Algorithms developed to predict the effect of missense changes on protein structure and function output the following: SIFT: "Tolerated"; PolyPhen-2: "Benign"; Align-GVGD: "Class C0". The serine amino acid residue is found in multiple mammalian species, which suggests that this missense change does not adversely affect protein function. This variant has not been reported in the literature in individuals affected with NEXN-related conditions. This variant is not present in population databases (gnomAD no frequency). This sequence change replaces asparagine, which is neutral and polar, with serine, which is neutral and polar, at codon 350 of the NEXN protein (p.Asn350Ser).

NM_144573.4(NEXN):c.1049A>G (p.Asn350Ser)

Gene: NEXN (nexilin F-actin binding protein; plus strand). Cytogenetic location: 1p31.1.
Variant type: single nucleotide variant.
Coding change: c.1049A>G on transcript NM_144573.4 (MANE Select); coding-DNA position 1049, A replaced by G.
Protein change: p.Asn350Ser; replaces asparagine 350 with serine.
Molecular consequence: missense variant.
Genome position (GRCh38, 1-based): chr1:77,929,500, A>G. VCF-style: chr1-77929500-A-G. GRCh37 (hg19) VCF-style: chr1-78395185-A-G.
Other names: c.857A>G, p.Asn286Ser (NM_001172309.2); short protein forms N350S, N286S.
Identifiers: ClinVar variation 2023433 (VCV002023433.4), dbSNP rs2523225294, ClinGen allele CA340875970.